The following is an entry in ClinVar:

ClinVar aggregate classification (germline): Uncertain significance (0 of 4 stars; one submission).

Conditions:
MYO7B-related disorder. Also called: MYO7B-related condition.

gnomAD v4.1: 3 of 1,612,984 alleles (0.00019%); highest among the groups gnomAD compares: Non-Finnish European, 0.00025%; no homozygotes.

Submission:

PreventionGenetics, part of Exact Sciences
Classification: Uncertain significance for MYO7B-related condition. Last evaluated: 2024-07-20. Review status: no assertion criteria provided. Collection method: clinical testing. Allele origin: germline.
Comment: The MYO7B c.565G>A variant is predicted to result in the amino acid substitution p.Val189Ile. To our knowledge, this variant has not been reported in the literature or in a large population database, indicating this variant is rare. At this time, the clinical significance of this variant is uncertain due to the absence of conclusive functional and genetic evidence.

NM_001393586.1(MYO7B):c.565G>A (p.Val189Ile)

Genes: MYO7B (myosin VIIB; plus strand), LOC105373609 (uncharacterized LOC105373609; minus strand). Cytogenetic location: 2q14.3.
Variant type: single nucleotide variant.
Coding change: c.565G>A on transcript NM_001393586.1 (MANE Select); coding-DNA position 565, G replaced by A.
Protein change: p.Val189Ile; replaces valine 189 with isoleucine.
Molecular consequence: missense variant.
Genome position (GRCh38, 1-based): chr2:127,569,883, G>A. VCF-style: chr2-127569883-G-A. GRCh37 (hg19) VCF-style: chr2-128327458-G-A.
Other names: c.565G>A, p.Val189Ile (NM_001080527.2); short protein forms V189I.
Identifiers: ClinVar variation 3354526 (VCV003354526.1).